The following is an entry in ClinVar:

ClinVar aggregate classification (germline): Uncertain significance (1 of 4 stars; one submission).

Submission:

Labcorp Genetics (formerly Invitae), Labcorp
Classification: Uncertain significance. Last evaluated: 2025-03-05. Review status: criteria provided, single submitter. Criteria: Invitae Variant Classification Sherloc (09022015). Collection method: clinical testing. Allele origin: germline.
Comment: This sequence change replaces histidine, which is basic and polar, with leucine, which is neutral and non-polar, at codon 1519 of the MACF1 protein (p.His1519Leu). This variant is not present in population databases (gnomAD no frequency). This variant has not been reported in the literature in individuals affected with MACF1-related conditions. An algorithm developed to predict the effect of missense changes on protein structure and function (PolyPhen-2) suggests that this variant is likely to be tolerated. In summary, the available evidence is currently insufficient to determine the role of this variant in disease. Therefore, it has been classified as a Variant of Uncertain Significance.

NM_001394062.1(MACF1):c.4541A>T (p.His1514Leu)

Gene: MACF1 (microtubule actin crosslinking factor 1; plus strand). Cytogenetic location: 1p34.3.
Variant type: single nucleotide variant.
Coding change: c.4541A>T on transcript NM_001394062.1 (MANE Select); coding-DNA position 4541, A replaced by T.
Protein change: p.His1514Leu; replaces histidine 1514 with leucine.
Molecular consequence: missense variant.
Genome position (GRCh38, 1-based): chr1:39,327,280, A>T. VCF-style: chr1-39327280-A-T. GRCh37 (hg19) VCF-style: chr1-39792952-A-T.
Other names: c.4556A>T, p.His1519Leu (NM_012090.5); short protein forms H1514L, H1519L.
Identifiers: ClinVar variation 4714369 (VCV004714369.1).